The following is an entry in ClinVar:

NM_000268.4(NF2):c.1382C>A (p.Ala461Glu)

Gene: NF2 (NF2, moesin-ezrin-radixin like (MERLIN) tumor suppressor; plus strand). Cytogenetic location: 22q12.2.
Variant type: single nucleotide variant.
Coding change: c.1382C>A on transcript NM_000268.4 (MANE Select); coding-DNA position 1382, C replaced by A.
Protein change: p.Ala461Glu; replaces alanine 461 with glutamic acid.
Molecular consequence: missense variant. On other transcripts: non-coding transcript variant (1), intron variant (1).
Genome position (GRCh38, 1-based): chr22:29,674,877, C>A. VCF-style: chr22-29674877-C-A. GRCh37 (hg19) VCF-style: chr22-30070866-C-A.
Other names: c.1268C>A, p.Ala423Glu (NM_001407053.1, NM_001407056.1); c.1259C>A, p.Ala420Glu (NM_001407054.1, NM_001407058.1, NM_181829.3); c.1256C>A, p.Ala419Glu (NM_001407055.1, NM_181828.3); c.1247C>A, p.Ala416Glu (NM_001407057.1, NM_001407059.1); c.1382C>A, p.Ala461Glu (NM_001407060.1, NM_001407066.1, NM_016418.5 and 2 more transcripts); c.1124C>A, p.Ala375Glu (NM_001407062.1); c.1133C>A, p.Ala378Glu (NM_001407063.1, NM_001407064.1, NM_181830.3 and 1 more transcripts); c.848C>A, p.Ala283Glu (NM_001407065.1); and 2 more; short protein forms A283E, A375E, A420E, A461E, A378E, A384E, A419E, A416E.
Identifiers: ClinVar variation 1771314 (VCV001771314.2), dbSNP rs2147092740, ClinGen allele CA411148973.
Genomic context (GRCh38, chr22:29,674,877, plus strand): 5'-TCTCATCCTTTCCTTGCAGGGCCAAAGAGGCAGATCAGCTGAAGCAGGACCTGCAGGAAG[C>A]ACGCGAGGCGGAGCGAAGAGCCAAGCAGAAGCTCCTGGAGATTGCCACCAAGCCCACGTA-3'
Protein context (NP_000259.1, residues 451-471): ADQLKQDLQE[Ala461Glu]REAERRAKQK

ClinVar aggregate classification (germline): Uncertain significance (1 of 4 stars; one submission).

Conditions:
Hereditary cancer-predisposing syndrome. Also called: Hereditary Cancer Syndrome; Hereditary neoplastic syndrome; Neoplastic Syndromes, Hereditary; Tumor predisposition. Identifiers: Orphanet 140162, MedGen C0027672, MeSH D009386, MONDO:0015356.

gnomAD v4.1: 1 of 1,571,878 alleles (0.000064%); no homozygotes.

Submission:

Ambry Genetics
Classification: Uncertain significance for Hereditary cancer-predisposing syndrome. Last evaluated: 2021-07-13. Review status: criteria provided, single submitter. Criteria: Ambry Variant Classification Scheme 2023. Collection method: clinical testing. Allele origin: germline.
Comment: The p.A461E variant (also known as c.1382C>A), located in coding exon 13 of the NF2 gene, results from a C to A substitution at nucleotide position 1382. The alanine at codon 461 is replaced by glutamic acid, an amino acid with dissimilar properties. This amino acid position is highly conserved in available vertebrate species. In addition, this alteration is predicted to be deleterious by in silico analysis. Since supporting evidence is limited at this time, the clinical significance of this alteration remains unclear.